The following is an entry in ClinVar:

ClinVar aggregate classification (germline): Pathogenic (1 of 4 stars; one submission).

Conditions:
3-methylcrotonyl-CoA carboxylase 2 deficiency. Also called: METHYLCROTONYLGLYCINURIA, TYPE II; 3 alpha methylcrotonyl-CoA carboxylase 2 deficiency; 3 alpha methylcrotonylglycinuria 2; MCC 2 deficiency; Methylcrotonylglycinuria type 2. Identifiers: Orphanet 6, MedGen C1859499, MONDO:0008862, OMIM 210210.

Submission:

Labcorp Genetics (formerly Invitae), Labcorp
Classification: Pathogenic for 3-methylcrotonyl-CoA carboxylase 2 deficiency. Last evaluated: 2020-12-21. Review status: criteria provided, single submitter. Criteria: Invitae Variant Classification Sherloc (09022015). Collection method: clinical testing. Allele origin: germline.
Comment: This variant is an out-of-frame deletion of the genomic region encompassing exon 3 of the MCCC2 gene. This is expected to create a premature translational stop signal and result in an absent or disrupted protein product. This variant has not been reported in the literature in individuals with MCCC2-related conditions. Loss-of-function variants in MCCC2 are known to be pathogenic (PMID: 11181649, 22642865). For these reasons, this variant has been classified as Pathogenic.

Literature cited by the submitters: PubMed 11181649; PubMed 22642865.

NC_000005.9:g.(?_70892087)_(70892211_?)del

Gene: MCCC2 (methylcrotonyl-CoA carboxylase subunit 2; plus strand). Cytogenetic location: 5q13.2.
Variant type: Deletion.
Identifiers: ClinVar variation 2426736 (VCV002426736.2).